The following is an entry in ClinVar:

NM_001379081.2(FREM1):c.4564G>A (p.Val1522Met)

Gene: FREM1 (FRAS1 related extracellular matrix 1; minus strand). Cytogenetic location: 9p22.3.
Variant type: single nucleotide variant.
Coding change: c.4564G>A on transcript NM_001379081.2 (MANE Select); coding-DNA position 4564, G replaced by A.
Protein change: p.Val1522Met; replaces valine 1522 with methionine.
Molecular consequence: missense variant. On other transcripts: non-coding transcript variant (2).
Genome position (GRCh38, 1-based): chr9:14,776,082, C>T on the plus strand (G>A on the coding strand, the complement: FREM1 is on the minus strand). VCF-style: chr9-14776082-C-T. GRCh37 (hg19) VCF-style: chr9-14776080-C-T.
Other names: c.172G>A, p.Val58Met (NM_001177704.3, NM_001370058.2, NM_001370061.2); c.4564G>A, p.Val1522Met (NM_144966.7); short protein forms V58M, V1522M.
Identifiers: ClinVar variation 709857 (VCV000709857.10), dbSNP rs61735747, ClinGen allele CA4990129.
Genomic context (GRCh38, chr9:14,776,082, plus strand): 5'-GGTTCTCCGCAGGTGTATCAGGGTCGGTCAGCTGAAGGAGGTCAGGGGAAAGCAGGCCCA[C>T]GGCCCCTTGGGCCAGTCTCAACCCCTTGTTCCTGGTTACCACAGGCAGGGCTCTGTCCAC-3'
Protein context (NP_001366010.1, residues 1512-1532): NKGLRLAQGA[Val1522Met]GLLSPDLLQL

ClinVar aggregate classification (germline): Likely benign. Review status: criteria provided, multiple submitters, no conflicts (2 of 4 stars). 3 submissions from 3 submitters: Likely benign (2). 1 of the submissions does not count toward it. Last evaluated 2025-12-06.

Conditions:
FREM1-related disorder. Also called: FREM1-Related Disorders; FREM1-related condition.

Allele frequency attached by ClinVar (database versions not stated): gnomAD exomes 0.00065; TOPMed 0.00233; ESP Exome Variant Server 0.00203; ExAC 0.00075; 1000 Genomes Project 0.00240; 1000 Genomes Project 30x 0.00250; gnomAD 0.00226.
gnomAD v4.1: 743 of 1,612,884 alleles (0.046%); highest among the groups gnomAD compares: African/African-American, 0.75%; 3 homozygotes.

Submissions (3):

Labcorp Genetics (formerly Invitae), Labcorp
Classification: Likely benign. Last evaluated: 2025-12-06. Review status: criteria provided, single submitter. Criteria: Invitae Variant Classification Sherloc (09022015). Collection method: clinical testing. Allele origin: germline.

Breakthrough Genomics
Classification: Likely benign. Review status: criteria provided, single submitter. Criteria: ACMG Guidelines, 2015. Collection method: not provided. Allele origin: germline. Inheritance: Autosomal recessive inheritance. Affected: yes.

PreventionGenetics, part of Exact Sciences
Classification: Likely benign for FREM1-related condition. Last evaluated: 2019-09-25. Review status: no assertion criteria provided. Collection method: clinical testing. Allele origin: germline. Not counted in ClinVar's aggregate classification.
Comment: This variant is classified as likely benign based on ACMG/AMP sequence variant interpretation guidelines (Richards et al. 2015 PMID: 25741868, with internal and published modifications).